The following is an entry in ClinVar:

NM_032776.3(JMJD1C):c.4317T>G (p.Ser1439Arg)

Gene: JMJD1C (jumonji domain containing 1C; minus strand). Cytogenetic location: 10q21.3.
Variant type: single nucleotide variant.
Coding change: c.4317T>G on transcript NM_032776.3 (MANE Select); coding-DNA position 4317, T replaced by G.
Protein change: p.Ser1439Arg; replaces serine 1439 with arginine.
Molecular consequence: missense variant. On other transcripts: non-coding transcript variant (1).
Genome position (GRCh38, 1-based): chr10:63,207,352, A>C on the plus strand (T>G on the coding strand, the complement: JMJD1C is on the minus strand). VCF-style: chr10-63207352-A-C. GRCh37 (hg19) VCF-style: chr10-64967112-A-C.
Other names: c.3771T>G, p.Ser1257Arg (NM_001282948.2, NM_001318154.2); c.3453T>G, p.Ser1151Arg (NM_001318153.2); c.4203T>G, p.Ser1401Arg (NM_001322252.2); c.3660T>G, p.Ser1220Arg (NM_001322254.2, NM_001322258.2); c.4317T>G (NM_032776.1); short protein forms S1151R, S1220R, S1257R, S1401R, S1439R.
Identifiers: ClinVar variation 2884848 (VCV002884848.4), dbSNP rs147444869, ClinGen allele CA5518291.

ClinVar aggregate classification (germline): Uncertain significance. Review status: criteria provided, multiple submitters, no conflicts (2 of 4 stars). 2 submissions from 2 submitters: Uncertain significance (2). Last evaluated 2024-04-22.

Conditions:
Early Myoclonic Encephalopathy. Identifiers: MedGen C0270855.

gnomAD v4.1: 7 of 1,613,916 alleles (0.00043%); highest among the groups gnomAD compares: Non-Finnish European, 0.00059%; no homozygotes.

Submissions (2):

Ambry Genetics
Classification: Uncertain significance. Last evaluated: 2024-04-22. Review status: criteria provided, single submitter. Criteria: Ambry Variant Classification Scheme 2023. Collection method: clinical testing. Allele origin: germline.

Labcorp Genetics (formerly Invitae), Labcorp
Classification: Uncertain significance for Early Myoclonic Encephalopathy. Last evaluated: 2023-05-27. Review status: criteria provided, single submitter. Criteria: Invitae Variant Classification Sherloc (09022015). Collection method: clinical testing. Allele origin: germline.
Comment: This sequence change replaces serine, which is neutral and polar, with arginine, which is basic and polar, at codon 1439 of the JMJD1C protein (p.Ser1439Arg). This variant is present in population databases (rs147444869, gnomAD 0.002%). In summary, the available evidence is currently insufficient to determine the role of this variant in disease. Therefore, it has been classified as a Variant of Uncertain Significance. Advanced modeling of protein sequence and biophysical properties (such as structural, functional, and spatial information, amino acid conservation, physicochemical variation, residue mobility, and thermodynamic stability) performed at Invitae indicates that this missense variant is not expected to disrupt JMJD1C protein function. This variant has not been reported in the literature in individuals affected with JMJD1C-related conditions.